The following is an entry in ClinVar:

ClinVar aggregate classification (germline): Uncertain significance. Review status: criteria provided, multiple submitters, no conflicts (2 of 4 stars). 2 submissions from 2 submitters: Uncertain significance (2). Last evaluated 2022-06-01.

Submissions (2):

CeGaT Center for Human Genetics Tuebingen
Classification: Uncertain significance. Last evaluated: 2022-06-01. Review status: criteria provided, single submitter. Criteria: CeGaT Center For Human Genetics Tuebingen Variant Classification Criteria Version 2. Collection method: clinical testing. Allele origin: germline. Affected: yes. Observed: 1 variant allele.

Labcorp Genetics (formerly Invitae), Labcorp
Classification: Uncertain significance. Last evaluated: 2022-03-01. Review status: criteria provided, single submitter. Criteria: Invitae Variant Classification Sherloc (09022015). Collection method: clinical testing. Allele origin: germline.
Comment: This variant, c.4886_4888del, results in the deletion of 1 amino acid(s) of the TUBGCP6 protein (p.Ser1629del), but otherwise preserves the integrity of the reading frame. This variant is present in population databases (rs749528262, gnomAD 0.01%). This variant has not been reported in the literature in individuals affected with TUBGCP6-related conditions. ClinVar contains an entry for this variant (Variation ID: 1042986). Experimental studies and prediction algorithms are not available or were not evaluated, and the functional significance of this variant is currently unknown. In summary, the available evidence is currently insufficient to determine the role of this variant in disease. Therefore, it has been classified as a Variant of Uncertain Significance.

NM_020461.4(TUBGCP6):c.4886_4888del (p.Ser1629del)

Gene: TUBGCP6 (tubulin gamma complex component 6; minus strand). Cytogenetic location: 22q13.33.
Variant type: Deletion.
Coding change: c.4886_4888del on transcript NM_020461.4 (MANE Select); coding-DNA positions 4886 to 4888, 3 bases deleted (CCT; older notation c.4886_4888delCCT).
Protein change: p.Ser1629del; deletes serine 1629.
Molecular consequence: inframe deletion.
Genome position (GRCh38, 1-based): chr22:50,218,554-50,218,556, AGG deleted on the plus strand (CCT on the coding strand, the reverse complement: TUBGCP6 is on the minus strand); deleting any 3 consecutive bases within chr22:50,218,554-50,218,558 gives the same sequence; the c. name uses the placement nearest the transcript's 3' end. VCF-style (leftmost placement, unchanged base first): chr22-50218553-AAGG-A. GRCh37 (hg19) VCF-style: chr22-50656982-AAGG-A.
Other names: short protein forms S1629del.
Identifiers: ClinVar variation 1042986 (VCV001042986.29), dbSNP rs749528262, ClinGen allele CA10307282.
Genomic context (GRCh38, chr22:50,218,553, plus strand): 5'-CGCTTGAGGTGGAAGCAGACGTCCTTGAGCGCCCACATCATGAGCTTCAGCTGCAGCAGG[AAGG>A]AGAAGACGCCGCTGTACTTGCTCACGCAGCCCTCGGTGATGACAATGTTGAGAGGCCAGT-3'